The following is an entry in ClinVar:

NC_000006.11:g.(?_107475823)_(107533506_?)dup

Gene: PDSS2 (decaprenyl diphosphate synthase subunit 2; minus strand). Cytogenetic location: 6q21.
Variant type: Duplication.
Identifiers: ClinVar variation 1433968 (VCV001433968.4).

ClinVar aggregate classification (germline): Uncertain significance (1 of 4 stars; one submission).

Submission:

Labcorp Genetics (formerly Invitae), Labcorp
Classification: Uncertain significance. Last evaluated: 2021-06-06. Review status: criteria provided, single submitter. Criteria: Invitae Variant Classification Sherloc (09022015). Collection method: clinical testing. Allele origin: germline.
Comment: In summary, the available evidence is currently insufficient to determine the role of this variant in disease. Therefore, it has been classified as a Variant of Uncertain Significance. Experimental studies and prediction algorithms are not available or were not evaluated, and the functional significance of this variant is currently unknown. This variant has not been reported in the literature in individuals with PDSS2-related conditions. This variant results in a copy number gain of the genomic region encompassing exon(s) 5-8 of the PDSS2 gene. The 5' boundary is likely confined to intron 4. The 3' end of this event is unknown as it extends beyond the assayed region for this gene and therefore may encompass additional genes. As the precise location of this event is unknown, it may be in tandem or it may be located elsewhere in the genome.